The following is an entry in ClinVar:

NM_002839.4(PTPRD):c.3453C>T (p.Arg1151=)

Gene: PTPRD (protein tyrosine phosphatase receptor type D; minus strand). Cytogenetic location: 9p24.1.
Variant type: single nucleotide variant.
Coding change: c.3453C>T on transcript NM_002839.4 (MANE Select); coding-DNA position 3453, C replaced by T.
Protein change: p.Arg1151=; no amino-acid change (arginine 1151 retained).
Molecular consequence: synonymous variant.
Genome position (GRCh38, 1-based): chr9:8,471,046, G>A on the plus strand (C>T on the coding strand, the complement: PTPRD is on the minus strand). VCF-style: chr9-8471046-G-A. GRCh37 (hg19) VCF-style: chr9-8471046-G-A.
Other names: c.2211C>T, p.Arg737= (NM_001040712.2); c.2190C>T, p.Arg730= (NM_001171025.2); c.2202C>T, p.Arg734= (NM_001377946.1); c.2214C>T, p.Arg738= (NM_001377947.1); c.3456C>T, p.Arg1152= (NM_001377958.1); c.3453C>T, p.Arg1151= (NM_001378058.1); c.2220C>T, p.Arg740= (NM_130391.4, NM_130392.3); c.2205C>T, p.Arg735= (NM_130393.3).
Identifiers: ClinVar variation 787065 (VCV000787065.7), dbSNP rs7865681, ClinGen allele CA4983813.

ClinVar aggregate classification (germline): Benign. Review status: criteria provided, multiple submitters, no conflicts (2 of 4 stars). 3 submissions from 3 submitters: Benign (2). 1 of the submissions does not count toward it. Last evaluated 2019-12-31.

Conditions:
PTPRD-related disorder. Also called: PTPRD-related condition.

Allele frequency attached by ClinVar (database versions not stated): 1000 Genomes Project 0.00659; gnomAD 0.00701 and 0.00752; 1000 Genomes Project 30x 0.00671; ESP Exome Variant Server 0.00715; TOPMed 0.00686.
gnomAD v4.1: 2,109 of 1,613,294 alleles (0.13%); highest among the groups gnomAD compares: African/African-American, 2.4%; 27 homozygotes.

Submissions (3):

Labcorp Genetics (formerly Invitae), Labcorp
Classification: Benign. Last evaluated: 2019-12-31. Review status: criteria provided, single submitter. Criteria: Invitae Variant Classification Sherloc (09022015). Collection method: clinical testing. Allele origin: germline.

Breakthrough Genomics
Classification: Benign. Review status: criteria provided, single submitter. Criteria: ACMG Guidelines, 2015. Collection method: not provided. Allele origin: germline. Inheritance: Unknown mechanism. Affected: yes.

PreventionGenetics, part of Exact Sciences
Classification: Benign for PTPRD-related condition. Last evaluated: 2019-06-07. Review status: no assertion criteria provided. Collection method: clinical testing. Allele origin: germline. Not counted in ClinVar's aggregate classification.
Comment: This variant is classified as benign based on ACMG/AMP sequence variant interpretation guidelines (Richards et al. 2015 PMID: 25741868, with internal and published modifications).